The following is an entry in ClinVar:

NM_000352.6(ABCC8):c.3130_3149del (p.Thr1044fs)

Gene: ABCC8 (ATP binding cassette subfamily C member 8; minus strand). Cytogenetic location: 11p15.1.
Variant type: Deletion.
Coding change: c.3130_3149del on transcript NM_000352.6 (MANE Select); coding-DNA positions 3130 to 3149, 20 bases deleted (ACCCCTGCAGCCAGGAACTG).
Protein change: p.Thr1044fs; shifts the reading frame from threonine 1044.
Molecular consequence: frameshift variant. On other transcripts: non-coding transcript variant (1).
Genome position (GRCh38, 1-based): chr11:17,406,901-17,406,920, CAGTTCCTGGCTGCAGGGGT deleted on the plus strand (ACCCCTGCAGCCAGGAACTG on the coding strand, the reverse complement: ABCC8 is on the minus strand); deleting any 20 consecutive bases within chr11:17,406,901-17,406,923 gives the same sequence; the c. name uses the placement nearest the transcript's 3' end. VCF-style (leftmost placement, unchanged base first): chr11-17406900-GCAGTTCCTGGCTGCAGGGGT-G. GRCh37 (hg19) VCF-style: chr11-17428447-GCAGTTCCTGGCTGCAGGGGT-G.
Other names: NM_000352.6(ABCC8):c.3130_3149del; p.Thr1044fs; c.3130_3149del (NM_000352.4); c.3133_3152del, p.Thr1045fs (NM_001287174.3); c.3130_3149delACCCCTGCAGCCAGGAACTG (NM_000352.4); c.3196_3215del, p.Thr1066fs (NM_001351295.2); c.3130_3149del, p.Thr1044fs (NM_001351296.2); c.3127_3146del, p.Thr1043fs (NM_001351297.2); short protein forms T1045fs, T1066fs, T1043fs, T1044fs.
Identifiers: ClinVar variation 280115 (VCV000280115.17), dbSNP rs886041392, ClinGen allele CA10603110.

ClinVar aggregate classification (germline): Pathogenic. Review status: criteria provided, multiple submitters, no conflicts (2 of 4 stars). 8 submissions from 8 submitters: Pathogenic (7). 1 of the submissions does not count toward it. Last evaluated 2024-03-11.

Conditions:
Type 2 diabetes mellitus. Also called: Type II diabetes mellitus. Identifiers: MedGen C0011860, MeSH D003924, MONDO:0005148, OMIM 125853, HP:0005978.
Hereditary hyperinsulinism.
Hyperinsulinemic hypoglycemia, familial, 1 (HHF1). Also called: Persistent hyperinsulinemic hypoglycemia of infancy; NESIDIOBLASTOSIS OF PANCREAS; Persistent Hyperinsulinemia Hypoglycemia of Infancy; HYPERINSULINISM, FAMILIAL, WITH PANCREATIC NESIDIOBLASTOSIS; HYPOGLYCEMIA, HYPERINSULINEMIC, OF INFANCY. Identifiers: Orphanet 276575, Orphanet 276598, MedGen C2931832, MONDO:0009734, OMIM 256450.

Submissions (8):

Baylor Genetics
Classification: Pathogenic for Type 2 diabetes mellitus. Last evaluated: 2024-03-11. Review status: criteria provided, single submitter. Criteria: ACMG Guidelines, 2015. Collection method: clinical testing. Allele origin: unknown.

Natera, Inc.
Classification: Pathogenic for Hereditary hyperinsulinism. Last evaluated: 2024-03-04. Review status: criteria provided, single submitter. Criteria: Natera Variant Classification Schema (03/2026). Collection method: clinical testing. Allele origin: germline.
Comment: The c.3130_3149delACCCCTGCAGCCAGGAACTG variant in ABCC8 is a frameshift variant predicted to shift the reading frame beginning at codon 1044 and leads to a stop codon 63 codons downstream. This variant is expected to result in nonsense mediated decay, truncation, or a dysfunctional protein product. This variant is rare in the general population with a frequency below the threshold expected for the associated phenotype(s). This variant has been observed in one or more individuals affected with the associated recessive disease, as either homozygous or compound heterozygous with a second variant (PMID: 16429405). Given the available evidence, this variant is classified as Pathogenic.

Broad Center for Mendelian Genomics, Broad Institute of MIT and Harvard
Classification: Pathogenic for Hyperinsulinemic hypoglycemia, familial, 1. Last evaluated: 2023-08-16. Review status: criteria provided, single submitter. Criteria: ACMG Guidelines, 2015. Collection method: curation. Allele origin: germline. Inheritance: Autosomal recessive inheritance.
Comment: The p.Thr1044Leufs variant in ABCC8 has been previously reported in 2 individuals with hyperinsulinemic hypoglycemia (PMID: 11395395, 20685672), and has been identified in 0.002% (2/113358) of European (non-Finnish) chromosomes by the Genome Aggregation Database (gnomAD; dbSNP ID: rs886041392). Although this variant has been seen in the general population in a heterozygous state, its frequency is low enough to be consistent with a recessive carrier frequency. This variant has also been reported in ClinVar (Variation ID#: 280115) and has been interpreted as likely pathogenic/pathogenic by Invitae, Rady Children's Institute for Genomic Medicine (Rady Children's Hospital San Diego), GeneDx, and Counsyl. Of the 2 affected individuals, 1 was a compound heterozygote that carried a reported pathogenic variant in trans, which increases the likelihood that the p.Thr1044Leufs variant is pathogenic (PMID: 11395395). This variant is predicted to cause a frameshift, which alters the protein’s amino acid sequence beginning at position 1044 and leads to a premature termination codon 63 amino acids downstream. This alteration is then predicted to lead to a truncated or absent protein. Loss of function of the ABCC8 gene is an established disease mechanism in autosomal recessive hyperinsulinemic hypoglycemia. In summary, this variant meets criteria to be classified as pathogenic for autosomal recessive hyperinsulinemic hypoglycemia. ACMG/AMP Criteria applied: PVS1, PM2_supporting, PM3 (Richards 2015).

Labcorp Genetics (formerly Invitae), Labcorp
Classification: Pathogenic. Last evaluated: 2023-08-14. Review status: criteria provided, single submitter. Criteria: Invitae Variant Classification Sherloc (09022015). Collection method: clinical testing. Allele origin: germline.
Comment: For these reasons, this variant has been classified as Pathogenic. ClinVar contains an entry for this variant (Variation ID: 280115). This variant is also known as c.3133_3152del. This premature translational stop signal has been observed in individual(s) with autosomal recessive diffuse or paternally inherited focal hyperinsulinism (PMID: 11395395). This variant has been reported in individual(s) with autosomal dominant familial hyperinsulinism (PMID: 24401662, 32928245); however, the role of the variant in this condition is currently unclear. This variant is present in population databases (no rsID available, gnomAD 0.002%). This sequence change creates a premature translational stop signal (p.Thr1044Leufs*63) in the ABCC8 gene. It is expected to result in an absent or disrupted protein product. Loss-of-function variants in ABCC8 are known to be pathogenic (PMID: 20685672, 23345197).

Genetics and Molecular Pathology, SA Pathology
Classification: Pathogenic for Hyperinsulinemic hypoglycemia, familial, 1. Last evaluated: 2021-08-18. Review status: criteria provided, single submitter. Criteria: ACMG Guidelines, 2015. Collection method: clinical testing. Allele origin: germline. Affected: yes.

GeneDx
Classification: Pathogenic. Last evaluated: 2018-05-04. Review status: criteria provided, single submitter. Criteria: GeneDx Variant Classification (06012015). Collection method: clinical testing. Allele origin: germline. Affected: yes.
Comment: The c.3130_3149del20 pathogenic variant in the ABCC8 gene has been reported previously in the heterozygous state, as well as the compound heterozygous state, in association with congenital hyperinsulinism (Fournet et al., 2001; Bellanne-Chantelot et al., 2010). The c.3130_3149del20 variant causes a frameshift starting with codon Threonine 1044, changes this amino acid to a Leucine residue, and creates a premature Stop codon at position 63 of the new reading frame, denoted p.Thr1044LeufsX63. This variant is predicted to cause loss of normal protein function either through protein truncation or nonsense-mediated mRNA decay. The c.3130_3149del20 variant was not observed in approximately 6,500 individuals of European and African American ancestry in the NHLBI Exome Sequencing Project, indicating it is not a common benign variant in these populations. We interpret c.3130_3149del20 as a pathogenic variant.

Rady Children's Institute for Genomic Medicine, Rady Children's Hospital San Diego
Classification: Pathogenic for HYPERINSULINEMIC HYPOGLYCEMIA, FAMILIAL, 1. Last evaluated: 2018-05-01. Review status: criteria provided, single submitter. Criteria: ACMG Guidelines, 2015. Collection method: clinical testing. Allele origin: germline. Affected: yes. Observed: 1 variant allele.
Comment: This variant has been previously reported in individuals with congenital hyperinsulism or familial hyperinsulinemic hypoglycemia-1 (HHF1) (MIM: 256450). It has been previously classified as pathogenic for congenital hyperinsulinism in ClinVar (rs886041392) and HGMD (CD016051). This variant is present in gnomAD at 0.00081% (2/245734) and thus is presumed to be rare. This variant is predicted to create a frameshift in the protein coding sequence, leading to a truncated protein with reduced protein function. Based on the combined evidence, the c.3130_3149del20 p.Thr1044LeufsTer63 variant is classified as pathogenic.

Counsyl
Classification: Likely pathogenic for Hyperinsulinemic hypoglycemia, familial, 1. Last evaluated: 2018-03-01. Review status: no assertion criteria provided. Collection method: clinical testing. Allele origin: unknown. Not counted in ClinVar's aggregate classification.

Literature cited by the submitters: PubMed 16429405 (cited by Natera, Inc. and Counsyl); PubMed 11395395 (cited by Labcorp Genetics (formerly Invitae), Labcorp and Counsyl); PubMed 24401662 (cited by Labcorp Genetics (formerly Invitae), Labcorp and Counsyl); PubMed 32928245 (cited by Labcorp Genetics (formerly Invitae), Labcorp); PubMed 20685672 (cited by Labcorp Genetics (formerly Invitae), Labcorp); PubMed 23345197 (cited by Labcorp Genetics (formerly Invitae), Labcorp).